The following is an entry in ClinVar:

ClinVar aggregate classification (germline): Uncertain significance (1 of 4 stars; one submission).

Conditions:
Hereditary cancer-predisposing syndrome. Also called: Tumor predisposition; Neoplastic Syndromes, Hereditary; Hereditary neoplastic syndrome; Hereditary Cancer Syndrome. Identifiers: Orphanet 140162, MedGen C0027672, MeSH D009386, MONDO:0015356.

Submission:

Ambry Genetics
Classification: Uncertain significance for Hereditary cancer-predisposing syndrome. Last evaluated: 2025-08-27. Review status: criteria provided, single submitter. Criteria: Ambry Variant Classification Scheme 2023. Collection method: clinical testing. Allele origin: germline.
Comment: The p.F532C variant (also known as c.1595T>G), located in coding exon 16 of the MUTYH gene, results from a T to G substitution at nucleotide position 1595. The phenylalanine at codon 532 is replaced by cysteine, an amino acid with highly dissimilar properties. This amino acid position is conserved. In addition, the in silico prediction for this alteration is inconclusive. Based on the available evidence, the clinical significance of this variant remains unclear.

NM_001048174.2(MUTYH):c.1511T>G (p.Phe504Cys)

Gene: MUTYH (mutY DNA glycosylase; minus strand). Cytogenetic location: 1p34.1.
Variant type: single nucleotide variant.
Coding change: c.1511T>G on transcript NM_001048174.2 (MANE Select); coding-DNA position 1511, T replaced by G.
Protein change: p.Phe504Cys; replaces phenylalanine 504 with cysteine.
Molecular consequence: missense variant. On other transcripts: non-coding transcript variant (7).
Genome position (GRCh38, 1-based): chr1:45,329,361, A>C on the plus strand (T>G on the coding strand, the complement: MUTYH is on the minus strand). VCF-style: chr1-45329361-A-C. GRCh37 (hg19) VCF-style: chr1-45795033-A-C.
Other names: c.1472T>G, p.Phe491Cys (NM_001407079.1); c.1469T>G, p.Phe490Cys (NM_001407080.1); c.1511T>G, p.Phe504Cys (NM_001407081.1, NM_001407088.1, NM_001407089.1 and 6 more transcripts); c.1166T>G, p.Phe389Cys (NM_001407082.1, NM_001350650.2, NM_001350651.2); c.1553T>G, p.Phe518Cys (NM_001407083.1, NM_001407085.1); c.1514T>G, p.Phe505Cys (NM_001407086.1, NM_001407078.1, NM_001048172.2 and 1 more transcripts); c.1532T>G, p.Phe511Cys (NM_001407087.1); c.1235T>G, p.Phe412Cys (NM_001407091.1, NM_001293192.2, NM_001293196.2); and 5 more; short protein forms F412C, F491C, F504C, F511C, F519C, F389C, F532C, F515C.
Identifiers: ClinVar variation 4113417 (VCV004113417.1).